The following is an entry in ClinVar:

ClinVar aggregate classification (germline): Pathogenic/Likely pathogenic. Review status: criteria provided, multiple submitters, no conflicts (2 of 4 stars). 3 submissions from 3 submitters: Pathogenic (1); Likely pathogenic (1). 1 of the submissions does not count toward it. Last evaluated 2025-12-23.

Conditions:
Inborn genetic diseases. Identifiers: MedGen C0950123, MeSH D030342.
Glycogen storage disease IXa1. Also called: GLYCOGEN STORAGE DISEASE VIII; GSD VIII; Glycogen storage disease 8; LIVER GLYCOGENOSIS, X-LINKED, TYPE I. Identifiers: Orphanet 264580, MedGen C3694531, MONDO:0010598, OMIM 306000.
Glycogen storage disease IXa2 (GSD9A2). Also called: GSD IXa2. Identifiers: MedGen C2748941, MONDO:0100439.

Allele frequency attached by ClinVar (database versions not stated): gnomAD exomes below 0.00001.
gnomAD v4.1: 1 of 1,211,450 alleles (0.000083%); highest among the groups gnomAD compares: Non-Finnish European, 0.00011%; no homozygotes.

Submissions (3):

Ambry Genetics
Classification: Likely pathogenic for Inborn genetic diseases. Last evaluated: 2025-12-23. Review status: criteria provided, single submitter. Criteria: Ambry Variant Classification Scheme 2023. Collection method: clinical testing. Allele origin: germline.
Comment: The c.394C>T (p.H132Y) alteration is located in exon 4 (coding exon 4) of the PHKA2 gene. This alteration results from a C to T substitution at nucleotide position 394, causing the histidine (H) at amino acid position 132 to be replaced by a tyrosine (Y). This variant was not reported in population-based cohorts in the Genome Aggregation Database (gnomAD). This variant segregated with disease in at least one family with features consistent with PHKA2-related glycogen storage disorder type IX (Burwinkel, 1996). This amino acid position is highly conserved in available vertebrate species. This alteration is predicted to be deleterious by in silico analysis. Based on the available evidence, this alteration is classified as likely pathogenic.

Baylor Genetics
Classification: Pathogenic for Glycogen storage disease IXa1. Last evaluated: 2018-12-14. Review status: criteria provided, single submitter. Criteria: ACMG Guidelines, 2015. Collection method: clinical testing. Allele origin: de novo. Affected: yes.
Comment: This variant was determined to be pathogenic according to ACMG Guidelines, 2015 [PMID:25741868]. This variant has been previously reported as disease causing in one family with multiple males and one female affected with X-linked liver glycogenosis subtype 2 [PMID 8733134]

OMIM
Classification: Pathogenic for GLYCOGEN STORAGE DISEASE, TYPE IXa2. Last evaluated: 1996-05-01. Review status: no assertion criteria provided. Collection method: literature only. Allele origin: germline. Not counted in ClinVar's aggregate classification.

Literature cited by the submitters: PubMed 8733134 (cited by 3 submitters).

NM_000292.3(PHKA2):c.394C>T (p.His132Tyr)

Gene: PHKA2 (phosphorylase kinase regulatory subunit alpha 2; minus strand). Cytogenetic location: Xp22.13.
Variant type: single nucleotide variant.
Coding change: c.394C>T on transcript NM_000292.3 (MANE Select); coding-DNA position 394, C replaced by T.
Protein change: p.His132Tyr; replaces histidine 132 with tyrosine.
Molecular consequence: missense variant.
Genome position (GRCh38, 1-based): chrX:18,951,164, G>A on the plus strand (C>T on the coding strand, the complement: PHKA2 is on the minus strand). VCF-style: chrX-18951164-G-A. GRCh37 (hg19) VCF-style: chrX-18969282-G-A.
Other names: short protein forms H132Y.
Identifiers: ClinVar variation 10537 (VCV000010537.3), dbSNP rs137852292, ClinGen allele CA121112.